The following is an entry in ClinVar:

ClinVar aggregate classification (germline): Uncertain significance. Review status: criteria provided, multiple submitters, no conflicts (2 of 4 stars). 3 submissions from 3 submitters: Uncertain significance (2). 1 of the submissions does not count toward it. Last evaluated 2024-03-20.

Conditions:
ERBB4-related disorder. Also called: ERBB4-related condition.

Allele frequency attached by ClinVar (database versions not stated): ExAC 0.00008; gnomAD exomes 0.00008; TOPMed 0.00009; gnomAD 0.00011 and 0.00013; ESP Exome Variant Server 0.00015; 1000 Genomes Project 0.00020; 1000 Genomes Project 30x 0.00031.
gnomAD v4.1: 270 of 1,613,576 alleles (0.017%); highest among the groups gnomAD compares: Non-Finnish European, 0.021%; 1 homozygote.

Submissions (3):

Women's Health and Genetics/Laboratory Corporation of America, LabCorp
Classification: Uncertain significance. Last evaluated: 2024-03-20. Review status: criteria provided, single submitter. Criteria: LabCorp Variant Classification Summary - May 2015. Collection method: clinical testing. Allele origin: germline.
Comment: Variant summary: ERBB4 c.1395C>A (p.Asn465Lys) results in a non-conservative amino acid change located in the Receptor L-domain (IPR000494) of the encoded protein sequence. Three of five in-silico tools predict a benign effect of the variant on protein function. The variant allele was found at a frequency of 8.4e-05 in 251478 control chromosomes. This frequency does not allow for any conclusion about variant significance. c.1395C>A has been reported in the literature in at least one individual affected with Amyotrophic Lateral Sclerosis, where it was classified as a VUS (e.g. Shepheard_2021). It has also been previously reported in at least two individuals with Parkinson's Disease, but was also detected in two unaffected controls (e.g. Lubbe_2016). These reports do not provide unequivocal conclusions about association of the variant with Amyotrophic Lateral Sclerosis Type 19. To our knowledge, no experimental evidence demonstrating an impact on protein function has been reported. The following publications have been ascertained in the context of this evaluation (PMID: 27640074, 33589474). ClinVar contains an entry for this variant (Variation ID: 1409872). Based on the evidence outlined above, the variant was classified as uncertain significance.

Labcorp Genetics (formerly Invitae), Labcorp
Classification: Uncertain significance. Last evaluated: 2023-02-26. Review status: criteria provided, single submitter. Criteria: Invitae Variant Classification Sherloc (09022015). Collection method: clinical testing. Allele origin: germline.
Comment: In summary, the available evidence is currently insufficient to determine the role of this variant in disease. Therefore, it has been classified as a Variant of Uncertain Significance. Advanced modeling of protein sequence and biophysical properties (such as structural, functional, and spatial information, amino acid conservation, physicochemical variation, residue mobility, and thermodynamic stability) performed at Invitae indicates that this missense variant is not expected to disrupt ERBB4 protein function. ClinVar contains an entry for this variant (Variation ID: 1409872). This missense change has been observed in individual(s) with amyotrophic lateral sclerosis (PMID: 33589474). This variant is present in population databases (rs200755699, gnomAD 0.02%). This sequence change replaces asparagine, which is neutral and polar, with lysine, which is basic and polar, at codon 465 of the ERBB4 protein (p.Asn465Lys).

PreventionGenetics, part of Exact Sciences
Classification: Uncertain significance for ERBB4-related condition. Last evaluated: 2024-08-12. Review status: no assertion criteria provided. Collection method: clinical testing. Allele origin: germline. Not counted in ClinVar's aggregate classification.
Comment: The ERBB4 c.1395C>A variant is predicted to result in the amino acid substitution p.Asn465Lys. This variant was reported in an individual with Amyotrophic lateral sclerosis and interpreted as uncertain (Shepheard et al 2021. PubMed ID: 33589474). This variant is reported in 0.016% of alleles in individuals of European (Non-Finnish) descent in gnomAD. At this time, the clinical significance of this variant is uncertain due to the absence of conclusive functional and genetic evidence.

Literature cited by the submitters: PubMed 27640074 (cited by Women's Health and Genetics/Laboratory Corporation of America, LabCorp); PubMed 33589474 (cited by Women's Health and Genetics/Laboratory Corporation of America, LabCorp and Labcorp Genetics (formerly Invitae), Labcorp).

NM_005235.3(ERBB4):c.1395C>A (p.Asn465Lys)

Gene: ERBB4 (erb-b2 receptor tyrosine kinase 4; minus strand). Cytogenetic location: 2q34.
Variant type: single nucleotide variant.
Coding change: c.1395C>A on transcript NM_005235.3 (MANE Select); coding-DNA position 1395, C replaced by A.
Protein change: p.Asn465Lys; replaces asparagine 465 with lysine.
Molecular consequence: missense variant.
Genome position (GRCh38, 1-based): chr2:211,702,061, G>T on the plus strand (C>A on the coding strand, the complement: ERBB4 is on the minus strand). VCF-style: chr2-211702061-G-T. GRCh37 (hg19) VCF-style: chr2-212566786-G-T.
Other names: c.1395C>A, p.Asn465Lys (NM_001042599.2); short protein forms N465K.
Identifiers: ClinVar variation 1409872 (VCV001409872.9), dbSNP rs200755699, ClinGen allele CA2088142.
Genomic context (GRCh38, chr2:211,702,061, plus strand): 5'-TATTCTCTGGTTGATTGTGCTGAAGAGTGTTGTCCAGTTAATGGTATGATAATAACACAG[G>T]TTGCTGTTGTCAGTAATATAGATGTTTCCTGCGCTGATTTCCTTCAGGGACTGGAACTGT-3'
Protein context (NP_005226.1, residues 455-475): AGNIYITDNS[Asn465Lys]LCYYHTINWT